The following is an entry in ClinVar:

NM_032444.4(SLX4):c.4078C>T (p.His1360Tyr)

Gene: SLX4 (SLX4 structure-specific endonuclease subunit; minus strand). Cytogenetic location: 16p13.3.
Variant type: single nucleotide variant.
Coding change: c.4078C>T on transcript NM_032444.4 (MANE Select); coding-DNA position 4078, C replaced by T.
Protein change: p.His1360Tyr; replaces histidine 1360 with tyrosine.
Molecular consequence: missense variant.
Genome position (GRCh38, 1-based): chr16:3,589,560, G>A on the plus strand (C>T on the coding strand, the complement: SLX4 is on the minus strand). VCF-style: chr16-3589560-G-A. GRCh37 (hg19) VCF-style: chr16-3639561-G-A.
Other names: short protein forms H1360Y.
Identifiers: ClinVar variation 1398060 (VCV001398060.5), dbSNP rs1282208383, ClinGen allele CA394518471.

ClinVar aggregate classification (germline): Uncertain significance (1 of 4 stars; one submission).

Conditions:
Fanconi anemia (FA). Also called: Fanconi's anemia. Identifiers: Orphanet 84, MedGen C0015625, MeSH D005199, MONDO:0019391.

Allele frequency attached by ClinVar (database versions not stated): gnomAD exomes below 0.00001; gnomAD 0.00001; TOPMed 0.00001.
gnomAD v4.1: 6 of 1,612,536 alleles (0.00037%); highest among the groups gnomAD compares: Non-Finnish European, 0.00051%; no homozygotes.

Submission:

Labcorp Genetics (formerly Invitae), Labcorp
Classification: Uncertain significance for Fanconi anemia. Last evaluated: 2021-08-31. Review status: criteria provided, single submitter. Criteria: Invitae Variant Classification Sherloc (09022015). Collection method: clinical testing. Allele origin: germline.
Comment: This sequence change replaces histidine with tyrosine at codon 1360 of the SLX4 protein (p.His1360Tyr). The histidine residue is weakly conserved and there is a moderate physicochemical difference between histidine and tyrosine. This variant is not present in population databases (ExAC no frequency). This variant has not been reported in the literature in individuals affected with SLX4-related conditions. Algorithms developed to predict the effect of missense changes on protein structure and function (SIFT, PolyPhen-2, Align-GVGD) all suggest that this variant is likely to be tolerated. In summary, the available evidence is currently insufficient to determine the role of this variant in disease. Therefore, it has been classified as a Variant of Uncertain Significance.